The following is an entry in ClinVar:

NM_001042702.5(PJVK):c.274C>T (p.Arg92Ter)

Gene: PJVK (pejvakin; plus strand). Cytogenetic location: 2q31.2.
Variant type: single nucleotide variant.
Coding change: c.274C>T on transcript NM_001042702.5 (MANE Select); coding-DNA position 274, C replaced by T.
Protein change: p.Arg92Ter; replaces arginine 92 with a stop codon.
Molecular consequence: nonsense. On other transcripts: 5 prime UTR variant (2).
Genome position (GRCh38, 1-based): chr2:178,454,394, C>T. VCF-style: chr2-178454394-C-T. GRCh37 (hg19) VCF-style: chr2-179319121-C-T.
Other names: c.283C>T, p.Arg95Ter (NM_001353775.2); c.379C>T, p.Arg127Ter (NM_001353776.2); c.-204C>T (NM_001353777.1, NM_001353778.2); c.274C>T, p.Arg92Ter (NM_001369912.1); short protein forms R127*, R95*, R92*.
Identifiers: ClinVar variation 2734336 (VCV002734336.9), dbSNP rs764497659, ClinGen allele CA1984156.
Genomic context (GRCh38, chr2:178,454,394, plus strand): 5'-ATTTCATCTTATCAATTACTGAATTATGAAGATGAATCAGATGTTTCACTCTATGGAAGG[C>T]GAGGTAACCATATTGTAAATGACGTTGGGATTAACGTTGCTGGATCAGATTCCATTGCAG-3'

ClinVar aggregate classification (germline): Pathogenic. Review status: criteria provided, multiple submitters, no conflicts (2 of 4 stars). 4 submissions from 4 submitters: Pathogenic (4). Last evaluated 2025-12-09.

Conditions:
Autosomal recessive nonsyndromic hearing loss 59. Identifiers: Orphanet 90636, MedGen C1857744, MONDO:0012445, OMIM 610220.

Allele frequency attached by ClinVar (database versions not stated): TOPMed below 0.00001; ExAC 0.00001.

Submissions (4):

Genetics Research Center, University of Social Welfare and Rehabilitation Sciences
Classification: Pathogenic for Autosomal recessive nonsyndromic hearing loss 59. Last evaluated: 2025-12-09. Review status: criteria provided, single submitter. Criteria: ACMG Guidelines, 2015. Collection method: research. Allele origin: germline. Affected: yes.
Comment: The variant is present at a very low frequency in the gnomAD v2.1.1 dataset (allele frequency: 0.0008%) and has been reported in individual(s) affected with PJVK-related hearing loss (PMID:22903915, 17301963). It is a stop-gain mutation expected to disrupt normal protein function either through nonsense-mediated decay (NMD) or by producing a truncated protein.

Fulgent Genetics
Classification: Pathogenic for Autosomal recessive nonsyndromic hearing loss 59. Last evaluated: 2024-03-25. Review status: criteria provided, single submitter. Criteria: ACMG Guidelines, 2015. Collection method: clinical testing. Allele origin: germline.

Women's Health and Genetics/Laboratory Corporation of America, LabCorp
Classification: Pathogenic for Autosomal recessive nonsyndromic hearing loss 59. Last evaluated: 2024-03-21. Review status: criteria provided, single submitter. Criteria: LabCorp Variant Classification Summary - May 2015. Collection method: clinical testing. Allele origin: germline.
Comment: Variant summary: PJVK c.274C>T (p.Arg92X) results in a premature termination codon, predicted to cause absence of the protein due to nonsense mediated decay, which is a commonly known mechanism for disease. The variant allele was found at a frequency of 8e-06 in 249348 control chromosomes (gnomAD). c.274C>T has been reported in the literature in an individual(s) affected with Autosomal recessive nonsyndromic hearing loss 59 (Babanejad_2012). The following publication has been ascertained in the context of this evaluation (PMID: 22903915). ClinVar contains an entry for this variant (Variation ID: 2734336). Based on the evidence outlined above, the variant was classified as pathogenic.

Labcorp Genetics (formerly Invitae), Labcorp
Classification: Pathogenic. Last evaluated: 2024-03-20. Review status: criteria provided, single submitter. Criteria: Invitae Variant Classification Sherloc (09022015). Collection method: clinical testing. Allele origin: germline.
Comment: This sequence change creates a premature translational stop signal (p.Arg92*) in the DFNB59 gene. It is expected to result in an absent or disrupted protein product. Loss-of-function variants in DFNB59 are known to be pathogenic (PMID: 17301963, 17718875). This variant is present in population databases (rs764497659, gnomAD 0.007%). This premature translational stop signal has been observed in individual(s) with deafness (PMID: 22903915). For these reasons, this variant has been classified as Pathogenic.

Literature cited by the submitters: PubMed 22903915 (cited by 3 submitters); PubMed 17301963 (cited by Genetics Research Center, University of Social Welfare and Rehabilitation Sciences and Labcorp Genetics (formerly Invitae), Labcorp); PubMed 17718875 (cited by Labcorp Genetics (formerly Invitae), Labcorp).